The following is an entry in ClinVar:

NM_001127222.2(CACNA1A):c.110_125dup (p.Gly43fs)

Gene: CACNA1A (calcium voltage-gated channel subunit alpha1 A; minus strand). Cytogenetic location: 19p13.13.
Variant type: Duplication.
Coding change: c.110_125dup on transcript NM_001127222.2 (MANE Select); coding-DNA positions 110 to 125, 16 bases duplicated (GGCAGGGCGGGCAGCC).
Protein change: p.Gly43fs; shifts the reading frame from glycine 43.
Molecular consequence: frameshift variant.
Genome position (GRCh38, 1-based): chr19:13,506,100-13,506,115, GGCTGCCCGCCCTGCC duplicated on the plus strand (GGCAGGGCGGGCAGCC on the coding strand, the reverse complement: CACNA1A is on the minus strand); duplicating any 16 consecutive bases within chr19:13,506,100-13,506,123 gives the same sequence; the c. name uses the placement nearest the transcript's 3' end. VCF-style (leftmost placement, unchanged base first): chr19-13506099-G-GGGCTGCCCGCCCTGCC. GRCh37 (hg19) VCF-style: chr19-13616913-G-GGGCTGCCCGCCCTGCC.
Other names: c.110_125dup, p.Gly43fs (NM_000068.4, NM_001127221.2, NM_001174080.2 and 1 more transcripts); short protein forms G43fs.
Identifiers: ClinVar variation 1395073 (VCV001395073.6), dbSNP rs2145192572, ClinGen allele CA2573156138.

ClinVar aggregate classification (germline): Pathogenic (1 of 4 stars; one submission).

Conditions:
Developmental and epileptic encephalopathy, 42 (DEE42A). Also called: Epileptic encephalopathy, early infantile, 42; DEVELOPMENTAL AND EPILEPTIC ENCEPHALOPATHY 42A; EPILEPTIC ENCEPHALOPATHY, EARLY INFANTILE, 42A. Identifiers: MedGen C4310716, MONDO:0014917, OMIM 617106.
Episodic ataxia type 2 (EA2). Also called: EPISODIC ATAXIA, NYSTAGMUS-ASSOCIATED; ACETAZOLAMIDE-RESPONSIVE HEREDITARY PAROXYSMAL CEREBELLAR ATAXIA; ATAXIA, EPISODIC, WITH NYSTAGMUS; ATAXIA, FAMILIAL PAROXYSMAL; CEREBELLAR ATAXIA, PAROXYSMAL, ACETAZOLAMIDE-RESPONSIVE; CEREBELLOPATHY, HEREDITARY PAROXYSMAL. Identifiers: Orphanet 97, MedGen C1720416, MONDO:0007163, OMIM 108500.

Submission:

Labcorp Genetics (formerly Invitae), Labcorp
Classification: Pathogenic for Developmental and epileptic encephalopathy, 42; Episodic ataxia type 2. Last evaluated: 2021-07-12. Review status: criteria provided, single submitter. Criteria: Invitae Variant Classification Sherloc (09022015). Collection method: clinical testing. Allele origin: germline.
Comment: This sequence change creates a premature translational stop signal (p.Gly43Alafs*38) in the CACNA1A gene. It is expected to result in an absent or disrupted protein product. Loss-of-function variants in CACNA1A are known to be pathogenic (PMID: 10371528, 19486177, 25735478, 27250579). This variant is not present in population databases (ExAC no frequency). This variant has not been reported in the literature in individuals affected with CACNA1A-related conditions. For these reasons, this variant has been classified as Pathogenic.

Literature cited by the submitters: PubMed 10371528; PubMed 19486177; PubMed 25735478; PubMed 27250579.